The following is an entry in ClinVar:

NM_014844.5(TECPR2):c.2625T>C (p.Ala875=)

Gene: TECPR2 (tectonin beta-propeller repeat containing 2; plus strand). Cytogenetic location: 14q32.31.
Variant type: single nucleotide variant.
Coding change: c.2625T>C on transcript NM_014844.5 (MANE Select); coding-DNA position 2625, T replaced by C.
Protein change: p.Ala875=; no amino-acid change (alanine 875 retained).
Molecular consequence: synonymous variant.
Genome position (GRCh38, 1-based): chr14:102,440,482, T>C. VCF-style: chr14-102440482-T-C. GRCh37 (hg19) VCF-style: chr14-102906819-T-C.
Other names: c.2625T>C, p.Ala875= (NM_001172631.3).
Identifiers: ClinVar variation 388438 (VCV000388438.10), dbSNP rs779230418, ClinGen allele CA7357999.
Genomic context (GRCh38, chr14:102,440,482, plus strand): 5'-TTTTATTTCCATAGGAGCCCTTCTCTGGAAGATTGAACAGAAATCTAACCGGGCTTTTGC[T>C]TGTGGGAAAGTCACCATCAAGGGGAAGCGGCACTGGTACGAAGCCCTGCCCCAGGCAGTG-3'
Protein context (NP_055659.2, residues 865-885): KIEQKSNRAF[Ala875=]CGKVTIKGKR

ClinVar aggregate classification (germline): Likely benign. Review status: criteria provided, multiple submitters, no conflicts (2 of 4 stars). 2 submissions from 2 submitters: Likely benign (2). Last evaluated 2024-03-07.

Conditions:
Hereditary spastic paraplegia 49 (HSAN9). Also called: Spastic paraplegia 49, autosomal recessive; NEUROPATHY, HEREDITARY SENSORY AND AUTONOMIC, TYPE IX, WITH DEVELOPMENTAL DELAY; TECPR2-Related Hereditary Sensory and Autonomic Neuropathy with Intellectual Disability. Identifiers: Orphanet 320385, MedGen C5190860, MONDO:0014016, OMIM 615031.

Allele frequency attached by ClinVar (database versions not stated): ExAC 0.00001; gnomAD exomes 0.00001 and 0.00003; TOPMed 0.00002; gnomAD 0.00003.
gnomAD v4.1: 44 of 1,614,120 alleles (0.0027%); highest among the groups gnomAD compares: Non-Finnish European, 0.0036%; no homozygotes.

Submissions (2):

Labcorp Genetics (formerly Invitae), Labcorp
Classification: Likely benign for Hereditary spastic paraplegia 49. Last evaluated: 2024-03-07. Review status: criteria provided, single submitter. Criteria: Invitae Variant Classification Sherloc (09022015). Collection method: clinical testing. Allele origin: germline.

GeneDx
Classification: Likely benign. Last evaluated: 2016-08-05. Review status: criteria provided, single submitter. Criteria: GeneDx Variant Classification (06012015). Collection method: clinical testing. Allele origin: germline. Affected: yes.
Comment: This variant is considered likely benign or benign based on one or more of the following criteria: it is a conservative change, it occurs at a poorly conserved position in the protein, it is predicted to be benign by multiple in silico algorithms, and/or has population frequency not consistent with disease.